The following is an entry in ClinVar:

NM_001458.5(FLNC):c.4510del (p.His1504fs)

Gene: FLNC (filamin C; plus strand). Cytogenetic location: 7q32.1.
Variant type: Deletion.
Coding change: c.4510del on transcript NM_001458.5 (MANE Select); coding-DNA position 4510, one base deleted (C; older notation c.4510delC).
Protein change: p.His1504fs; shifts the reading frame from histidine 1504.
Molecular consequence: frameshift variant.
Genome position (GRCh38, 1-based): chr7:128,847,998, C deleted; the last of 2 consecutive C bases (chr7:128,847,997-128,847,998); deleting either gives the same sequence. VCF-style (leftmost placement, unchanged base first): chr7-128847996-TC-T. GRCh37 (hg19) VCF-style: chr7-128488050-TC-T.
Other names: c.4510del, p.His1504fs (NM_001127487.2); short protein forms H1504fs.
Identifiers: ClinVar variation 2951068 (VCV002951068.3), dbSNP rs2536646486, ClinGen allele CA2740094840.
Genomic context (GRCh38, chr7:128,847,996, plus strand): 5'-CTTGCCCAGGTGTGGCCGAGCCTGTGGAGGTGCGGGACAATGGAGATGGCACCCACACTG[TC>T]CACTACACCCCAGCCACTGACGGGCCCTACACGGTAGCCGTCAAGTATGCTGACCAGGAG-3'

ClinVar aggregate classification (germline): Pathogenic (1 of 4 stars; one submission).

Conditions:
Myofibrillar myopathy 5. Also called: Filaminopathy (type); FILAMINOPATHY, AUTOSOMAL DOMINANT. Identifiers: Orphanet 171445, MedGen C1836050, MONDO:0012289, OMIM 609524.
Distal myopathy with posterior leg and anterior hand involvement. Also called: WILLIAMS DISTAL MYOPATHY. Identifiers: Orphanet 63273, MedGen C3279722, MONDO:0013550, OMIM 614065.
Hypertrophic cardiomyopathy 26. Also called: Cardiomyopathy, familial hypertrophic, 26. Identifiers: Orphanet 75249, MedGen C4310749, MONDO:0014883, OMIM 617047.

Submission:

Labcorp Genetics (formerly Invitae), Labcorp
Classification: Pathogenic for Distal myopathy with posterior leg and anterior hand involvement; Myofibrillar myopathy 5; Hypertrophic cardiomyopathy 26. Last evaluated: 2023-08-17. Review status: criteria provided, single submitter. Criteria: Invitae Variant Classification Sherloc (09022015). Collection method: clinical testing. Allele origin: germline.
Comment: For these reasons, this variant has been classified as Pathogenic. This variant has not been reported in the literature in individuals affected with FLNC-related conditions. This variant is not present in population databases (gnomAD no frequency). This sequence change creates a premature translational stop signal (p.His1504Thrfs*12) in the FLNC gene. It is expected to result in an absent or disrupted protein product. Loss-of-function variants in FLNC are known to be pathogenic (PMID: 27908349).

Literature cited by the submitters: PubMed 27908349.